The following is an entry in ClinVar:

ClinVar aggregate classification (germline): Uncertain significance. Review status: criteria provided, multiple submitters, no conflicts (2 of 4 stars). 2 submissions from 2 submitters: Uncertain significance (2). Last evaluated 2022-02-25.

Allele frequency attached by ClinVar (database versions not stated): gnomAD 0.00001; TOPMed 0.00002.
gnomAD v4.1: 4 of 1,612,630 alleles (0.00025%); highest among the groups gnomAD compares: African/African-American, 0.0053%; no homozygotes.

Submissions (2):

Labcorp Genetics (formerly Invitae), Labcorp
Classification: Uncertain significance. Last evaluated: 2022-02-25. Review status: criteria provided, single submitter. Criteria: Invitae Variant Classification Sherloc (09022015). Collection method: clinical testing. Allele origin: germline.
Comment: Algorithms developed to predict the effect of missense changes on protein structure and function are either unavailable or do not agree on the potential impact of this missense change (SIFT: "Deleterious"; PolyPhen-2: "Benign"; Align-GVGD: "Class C65"). ClinVar contains an entry for this variant (Variation ID: 1308451). This variant has not been reported in the literature in individuals affected with RP1-related conditions. This variant is not present in population databases (gnomAD no frequency). This sequence change replaces serine, which is neutral and polar, with arginine, which is basic and polar, at codon 134 of the RP1 protein (p.Ser134Arg). In summary, the available evidence is currently insufficient to determine the role of this variant in disease. Therefore, it has been classified as a Variant of Uncertain Significance.

GeneDx
Classification: Uncertain significance. Last evaluated: 2019-04-08. Review status: criteria provided, single submitter. Criteria: GeneDx Variant Classification Process June 2021. Collection method: clinical testing. Allele origin: germline. Affected: yes.
Comment: Not observed in large population cohorts (Lek et al., 2016); In silico analysis, which includes protein predictors and evolutionary conservation, supports that this variant does not alter protein structure/function; Has not been previously published as pathogenic or benign to our knowledge

NM_006269.2(RP1):c.402C>G (p.Ser134Arg)

Gene: RP1 (RP1 axonemal microtubule associated; plus strand). Cytogenetic location: 8q12.1.
Variant type: single nucleotide variant.
Coding change: c.402C>G on transcript NM_006269.2 (MANE Select); coding-DNA position 402, C replaced by G.
Protein change: p.Ser134Arg; replaces serine 134 with arginine.
Molecular consequence: missense variant.
Genome position (GRCh38, 1-based): chr8:54,621,368, C>G. VCF-style: chr8-54621368-C-G. GRCh37 (hg19) VCF-style: chr8-55533928-C-G.
Other names: c.402C>G, p.Ser134Arg (NM_001375654.1); short protein forms S134R.
Identifiers: ClinVar variation 1308451 (VCV001308451.6), dbSNP rs921415953, ClinGen allele CA177234400.